The following is an entry in ClinVar:

NM_006389.5(HYOU1):c.2152C>A (p.Gln718Lys)

Gene: HYOU1 (hypoxia up-regulated 1; minus strand). Cytogenetic location: 11q23.3.
Variant type: single nucleotide variant.
Coding change: c.2152C>A on transcript NM_006389.5 (MANE Select); coding-DNA position 2152, C replaced by A.
Protein change: p.Gln718Lys; replaces glutamine 718 with lysine.
Molecular consequence: missense variant.
Genome position (GRCh38, 1-based): chr11:119,048,727, G>T on the plus strand (C>A on the coding strand, the complement: HYOU1 is on the minus strand). VCF-style: chr11-119048727-G-T. GRCh37 (hg19) VCF-style: chr11-118919439-G-T.
Other names: c.2152C>A, p.Gln718Lys (NM_001130991.3, NM_001411041.1); short protein forms Q718K.
Identifiers: ClinVar variation 4722392 (VCV004722392.1).

ClinVar aggregate classification (germline): Uncertain significance (1 of 4 stars; one submission).

Submission:

Labcorp Genetics (formerly Invitae), Labcorp
Classification: Uncertain significance. Last evaluated: 2025-07-05. Review status: criteria provided, single submitter. Criteria: Invitae Variant Classification Sherloc (09022015). Collection method: clinical testing. Allele origin: germline.
Comment: This sequence change replaces glutamine, which is neutral and polar, with lysine, which is basic and polar, at codon 718 of the HYOU1 protein (p.Gln718Lys). This variant is not present in population databases (gnomAD no frequency). This variant has not been reported in the literature in individuals affected with HYOU1-related conditions. An algorithm developed to predict the effect of missense changes on protein structure and function (PolyPhen-2) suggests that this variant is likely to be tolerated. In summary, the available evidence is currently insufficient to determine the role of this variant in disease. Therefore, it has been classified as a Variant of Uncertain Significance.